The following is an entry in ClinVar:

ClinVar aggregate classification (germline): Uncertain significance (1 of 4 stars; one submission).

Submission:

Ambry Genetics
Classification: Uncertain significance. Last evaluated: 2024-04-27. Review status: criteria provided, single submitter. Criteria: Ambry Variant Classification Scheme 2023. Collection method: clinical testing. Allele origin: germline.
Comment: The p.C230Y variant (also known as c.689G>A), located in coding exon 8 of the FAM175A gene, results from a G to A substitution at nucleotide position 689. The cysteine at codon 230 is replaced by tyrosine, an amino acid with highly dissimilar properties. This amino acid position is conserved. In addition, this alteration is predicted to be deleterious by in silico analysis. Based on the available evidence, the clinical significance of this variant remains unclear.

NM_139076.3(ABRAXAS1):c.689G>A (p.Cys230Tyr)

Gene: ABRAXAS1 (abraxas 1, BRCA1 A complex subunit; minus strand). Cytogenetic location: 4q21.23.
Variant type: single nucleotide variant.
Coding change: c.689G>A on transcript NM_139076.3 (MANE Select); coding-DNA position 689, G replaced by A.
Protein change: p.Cys230Tyr; replaces cysteine 230 with tyrosine.
Molecular consequence: missense variant.
Genome position (GRCh38, 1-based): chr4:83,463,601, C>T on the plus strand (G>A on the coding strand, the complement: ABRAXAS1 is on the minus strand). VCF-style: chr4-83463601-C-T. GRCh37 (hg19) VCF-style: chr4-84384754-C-T.
Other names: c.362G>A, p.Cys121Tyr (NM_001345962.2); short protein forms C121Y, C230Y.
Identifiers: ClinVar variation 3334085 (VCV003334085.1).